The following is an entry in ClinVar:

NM_018834.6(MATR3):c.*305A>C

Gene: MATR3 (matrin 3; plus strand). Cytogenetic location: 5q31.2.
Variant type: single nucleotide variant.
Coding change: c.*305A>C on transcript NM_018834.6 (MANE Select); 305 bases downstream of the stop codon, A replaced by C.
Molecular consequence: 3 prime UTR variant.
Genome position (GRCh38, 1-based): chr5:139,329,700, A>C. VCF-style: chr5-139329700-A-C. GRCh37 (hg19) VCF-style: chr5-138665389-A-C.
Other names: c.*305A>C (NM_001194954.2, NM_001194955.2, NM_001194956.2 and 2 more transcripts).
Identifiers: ClinVar variation 351151 (VCV000351151.5), dbSNP rs563125595, ClinGen allele CA3433547.

ClinVar aggregate classification (germline): Benign (1 of 4 stars; one submission).

Conditions:
Amyotrophic lateral sclerosis type 21. Also called: VOCAL CORD AND PHARYNGEAL DYSFUNCTION WITH DISTAL MYOPATHY; MYOPATHY, DISTAL, 2. Identifiers: Orphanet 600, Orphanet 803, MedGen C3807521, MONDO:0011632, OMIM 606070.

Allele frequency attached by ClinVar (database versions not stated): gnomAD 0.00001 and 0.00039; TOPMed 0.00002; gnomAD exomes 0.00194 and 0.00236; 1000 Genomes Project 0.00260; 1000 Genomes Project 30x 0.00281; ExAC 0.00819.
gnomAD v4.1: 777 of 467,838 alleles (0.17%); highest among the groups gnomAD compares: South Asian, 1.2%; 8 homozygotes.

Submission:

Illumina Laboratory Services, Illumina
Classification: Benign for Amyotrophic lateral sclerosis type 21. Last evaluated: 2018-01-12. Review status: criteria provided, single submitter. Criteria: ICSL Variant Classification Criteria 13 December 2019. Collection method: clinical testing. Allele origin: germline.
Comment: This variant was observed in the ICSL laboratory as part of a predisposition screen in an ostensibly healthy population. It had not been previously curated by ICSL or reported in the Human Gene Mutation Database (HGMD: prior to June 1st, 2018), and was therefore a candidate for classification through an automated scoring system. Utilizing variant allele frequency, disease prevalence and penetrance estimates, and inheritance mode, an automated score was calculated to assess if this variant is too frequent to cause the disease. Based on the score and internal cut-off values, a variant classified as benign is not then subjected to further curation. The score for this variant resulted in a classification of benign for this disease.